The following is an entry in ClinVar:

ClinVar aggregate classification (germline): Likely benign (1 of 4 stars; one submission).

Conditions:
EIF5A-related disorder. Also called: EIF5A-related condition.

gnomAD v4.1: 21 of 1,604,044 alleles (0.0013%); highest among the groups gnomAD compares: East Asian, 0.038%; no homozygotes.

Submission:

PreventionGenetics, part of Exact Sciences
Classification: Likely benign for EIF5A-related condition. Last evaluated: 2026-04-17. Review status: criteria provided, single submitter. Criteria: ACMG Guidelines, 2015. Collection method: clinical testing. Allele origin: germline.
Comment: This variant is classified as likely benign based on ACMG/AMP sequence variant interpretation guidelines (Richards et al. 2015 PMID: 25741868, with internal and published modifications).

NM_001143760.1(EIF5A):c.34A>T (p.Arg12Trp)

Gene: EIF5A (eukaryotic translation initiation factor 5A; plus strand). Cytogenetic location: 17p13.1.
Variant type: single nucleotide variant.
Coding change: c.34A>T on transcript NM_001143760.1; coding-DNA position 34, A replaced by T.
Protein change: p.Arg12Trp; replaces arginine 12 with tryptophan.
Molecular consequence: missense variant. On other transcripts: 5 prime UTR variant (1).
Genome position (GRCh38, 1-based): chr17:7,307,080, A>T. VCF-style: chr17-7307080-A-T. GRCh37 (hg19) VCF-style: chr17-7210399-A-T.
Other names: c.-55A>T (NM_001370420.1); short protein forms R12W.
Identifiers: ClinVar variation 4977042 (VCV004977042.1).